The following is an entry in ClinVar:

ClinVar aggregate classification (germline): Uncertain significance (1 of 4 stars; one submission).

Submission:

Labcorp Genetics (formerly Invitae), Labcorp
Classification: Uncertain significance. Last evaluated: 2024-08-11. Review status: criteria provided, single submitter. Criteria: Invitae Variant Classification Sherloc (09022015). Collection method: clinical testing. Allele origin: germline.
Comment: This sequence change replaces serine, which is neutral and polar, with arginine, which is basic and polar, at codon 1471 of the DSCAML1 protein (p.Ser1471Arg). This variant is not present in population databases (gnomAD no frequency). This variant has not been reported in the literature in individuals affected with DSCAML1-related conditions. ClinVar contains an entry for this variant (Variation ID: 1525697). An algorithm developed to predict the effect of missense changes on protein structure and function (PolyPhen-2) suggests that this variant is likely to be disruptive. Algorithms developed to predict the effect of sequence changes on RNA splicing suggest that this variant may create or strengthen a splice site. In summary, the available evidence is currently insufficient to determine the role of this variant in disease. Therefore, it has been classified as a Variant of Uncertain Significance.

NM_020693.4(DSCAML1):c.4233C>G (p.Ser1411Arg)

Gene: DSCAML1 (DS cell adhesion molecule like 1; minus strand). Cytogenetic location: 11q23.3.
Variant type: single nucleotide variant.
Coding change: c.4233C>G on transcript NM_020693.4 (MANE Select); coding-DNA position 4233, C replaced by G.
Protein change: p.Ser1411Arg; replaces serine 1411 with arginine.
Molecular consequence: missense variant.
Genome position (GRCh38, 1-based): chr11:117,438,895, G>C on the plus strand (C>G on the coding strand, the complement: DSCAML1 is on the minus strand). VCF-style: chr11-117438895-G-C. GRCh37 (hg19) VCF-style: chr11-117309611-G-C.
Other names: short protein forms S1411R.
Identifiers: ClinVar variation 1525697 (VCV001525697.6), dbSNP rs2137079481, ClinGen allele CA382760157.